The following is an entry in ClinVar:

ClinVar aggregate classification (germline): Uncertain significance (1 of 4 stars; one submission).

Allele frequency attached by ClinVar (database versions not stated): gnomAD 0.00001; gnomAD exomes 0.00001.
gnomAD v4.1: 12 of 1,083,064 alleles (0.0011%); highest among the groups gnomAD compares: Admixed American, 0.0042%; no homozygotes.

Submission:

Labcorp Genetics (formerly Invitae), Labcorp
Classification: Uncertain significance. Last evaluated: 2024-03-24. Review status: criteria provided, single submitter. Criteria: Invitae Variant Classification Sherloc (09022015). Collection method: clinical testing. Allele origin: germline.
Comment: This sequence change replaces cysteine, which is neutral and slightly polar, with glycine, which is neutral and non-polar, at codon 23 of the LRP5 protein (p.Cys23Gly). This variant is not present in population databases (gnomAD no frequency). This variant has not been reported in the literature in individuals affected with LRP5-related conditions. ClinVar contains an entry for this variant (Variation ID: 1944881). Advanced modeling of protein sequence and biophysical properties (such as structural, functional, and spatial information, amino acid conservation, physicochemical variation, residue mobility, and thermodynamic stability) has been performed at Invitae for this missense variant, however the output from this modeling did not meet the statistical confidence thresholds required to predict the impact of this variant on LRP5 protein function. In summary, the available evidence is currently insufficient to determine the role of this variant in disease. Therefore, it has been classified as a Variant of Uncertain Significance.

NM_002335.4(LRP5):c.67T>G (p.Cys23Gly)

Gene: LRP5 (LDL receptor related protein 5; plus strand). Cytogenetic location: 11q13.2.
Variant type: single nucleotide variant.
Coding change: c.67T>G on transcript NM_002335.4 (MANE Select); coding-DNA position 67, T replaced by G.
Protein change: p.Cys23Gly; replaces cysteine 23 with glycine.
Molecular consequence: missense variant. On other transcripts: 5 prime UTR variant (1).
Genome position (GRCh38, 1-based): chr11:68,312,781, T>G. VCF-style: chr11-68312781-T-G. GRCh37 (hg19) VCF-style: chr11-68080249-T-G.
Other names: c.-1699T>G (NM_001291902.2); short protein forms C23G.
Identifiers: ClinVar variation 1944881 (VCV001944881.5), dbSNP rs2098589360, ClinGen allele CA381607520.